The following is an entry in ClinVar:

ClinVar aggregate classification (germline): Uncertain significance (1 of 4 stars; one submission).

Conditions:
X-linked agammaglobulinemia with growth hormone deficiency (IGHD3). Also called: Isolated growth hormone deficiency type 3; Growth hormone deficiency with hypogammaglobulinemia; ISOLATED GROWTH HORMONE DEFICIENCY, TYPE III, WITH AGAMMAGLOBULINEMIA; AGAMMAGLOBULINEMIA AND ISOLATED GROWTH HORMONE DEFICIENCY, X-LINKED; FLEISHER SYNDROME; HYPOGAMMAGLOBULINEMIA AND ISOLATED GROWTH HORMONE DEFICIENCY, X-LINKED. Identifiers: Orphanet 231692, Orphanet 631, MedGen C0472813, MONDO:0010615, OMIM 307200.

Submission:

Labcorp Genetics (formerly Invitae), Labcorp
Classification: Uncertain significance for X-linked agammaglobulinemia with growth hormone deficiency. Last evaluated: 2025-04-14. Review status: criteria provided, single submitter. Criteria: Invitae Variant Classification Sherloc (09022015). Collection method: clinical testing. Allele origin: germline.
Comment: This sequence change replaces phenylalanine, which is neutral and non-polar, with cysteine, which is neutral and slightly polar, at codon 320 of the BTK protein (p.Phe320Cys). This variant is not present in population databases (gnomAD no frequency). This variant has not been reported in the literature in individuals affected with BTK-related conditions. Invitae Evidence Modeling of protein sequence and biophysical properties (such as structural, functional, and spatial information, amino acid conservation, physicochemical variation, residue mobility, and thermodynamic stability) has been performed for this missense variant. However, the output from this modeling did not meet the statistical confidence thresholds required to predict the impact of this variant on BTK protein function. In summary, the available evidence is currently insufficient to determine the role of this variant in disease. Therefore, it has been classified as a Variant of Uncertain Significance.

NM_000061.3(BTK):c.959T>G (p.Phe320Cys)

Gene: BTK (Bruton tyrosine kinase; minus strand). Cytogenetic location: Xq22.1.
Variant type: single nucleotide variant.
Coding change: c.959T>G on transcript NM_000061.3 (MANE Select); coding-DNA position 959, T replaced by G.
Protein change: p.Phe320Cys; replaces phenylalanine 320 with cysteine.
Molecular consequence: missense variant.
Genome position (GRCh38, 1-based): chrX:101,358,632, A>C on the plus strand (T>G on the coding strand, the complement: BTK is on the minus strand). VCF-style: chrX-101358632-A-C. GRCh37 (hg19) VCF-style: chrX-100613620-A-C.
Other names: c.1061T>G, p.Phe354Cys (NM_001287344.2); c.959T>G, p.Phe320Cys (NM_001287345.2); short protein forms F354C, F320C.
Identifiers: ClinVar variation 4746911 (VCV004746911.1).